The following is an entry in ClinVar:

ClinVar aggregate classification (germline): Uncertain significance (1 of 4 stars; one submission).

gnomAD v4.1: 7 of 1,613,844 alleles (0.00043%); highest among the groups gnomAD compares: Non-Finnish European, 0.00051%; no homozygotes.

Submission:

GeneDx
Classification: Uncertain significance. Last evaluated: 2025-03-03. Review status: criteria provided, single submitter. Criteria: GeneDx Variant Classification Process June 2021. Collection method: clinical testing. Allele origin: germline. Affected: yes.
Comment: In silico analysis indicates that this variant does not alter splicing; Has not been previously published as pathogenic or benign to our knowledge

NM_005422.4(TECTA):c.4308C>G (p.Pro1436=)

Genes: TBCEL-TECTA (TBCEL-TECTA readthrough; plus strand), TECTA (tectorin alpha; plus strand). Cytogenetic location: 11q23.3.
Variant type: single nucleotide variant.
Coding change: c.4308C>G on transcript NM_005422.4 (MANE Select); coding-DNA position 4308, C replaced by G.
Protein change: p.Pro1436=; no amino-acid change (proline 1436 retained).
Molecular consequence: synonymous variant.
Genome position (GRCh38, 1-based): chr11:121,157,843, C>G. VCF-style: chr11-121157843-C-G. GRCh37 (hg19) VCF-style: chr11-121028552-C-G.
Other names: c.5265C>G, p.Pro1755= (NM_001378761.1).
Identifiers: ClinVar variation 4082642 (VCV004082642.1).